The following is an entry in ClinVar:

ClinVar aggregate classification (germline): Uncertain significance (1 of 4 stars; one submission).

Conditions:
Wiedemann-Steiner syndrome (WDSTS). Also called: Growth deficiency and mental retardation with facial dysmorphism. Identifiers: Orphanet 319182, MedGen C1854630, MONDO:0011518, OMIM 605130.

gnomAD v4.1: 3 of 1,614,112 alleles (0.00019%); highest among the groups gnomAD compares: Non-Finnish European, 0.00025%; no homozygotes.

Submission:

Juno Genomics, Hangzhou Juno Genomics, Inc
Classification: Uncertain significance for Wiedemann-Steiner syndrome. Review status: criteria provided, single submitter. Criteria: ACMG Guidelines, 2015. Collection method: clinical testing. Allele origin: germline.
Comment: Absent from controls (or at extremely low frequency if recessive) in Genome Aggregation Database.;Missense variant in a gene that has a low rate of benign missense variation.

NM_001197104.2(KMT2A):c.8453C>T (p.Pro2818Leu)

Gene: KMT2A (lysine methyltransferase 2A; plus strand). Cytogenetic location: 11q23.3.
Variant type: single nucleotide variant.
Coding change: c.8453C>T on transcript NM_001197104.2 (MANE Select); coding-DNA position 8453, C replaced by T.
Protein change: p.Pro2818Leu; replaces proline 2818 with leucine.
Molecular consequence: missense variant.
Genome position (GRCh38, 1-based): chr11:118,504,345, C>T. VCF-style: chr11-118504345-C-T. GRCh37 (hg19) VCF-style: chr11-118375060-C-T.
Other names: c.8543C>T, p.Pro2848Leu (NM_001412597.1); c.8444C>T, p.Pro2815Leu (NM_005933.4); short protein forms P2818L, P2848L, P2815L.
Identifiers: ClinVar variation 5007790 (VCV005007790.2).